The following is an entry in ClinVar:

ClinVar aggregate classification (germline): Uncertain significance (1 of 4 stars; one submission).

Submission:

GeneDx
Classification: Uncertain significance. Last evaluated: 2024-09-26. Review status: criteria provided, single submitter. Criteria: GeneDx Variant Classification Process June 2021. Collection method: clinical testing. Allele origin: germline. Affected: yes.
Comment: Not observed at significant frequency in large population cohorts (gnomAD); In silico analysis supports that this missense variant has a deleterious effect on protein structure/function; Has not been previously published as pathogenic or benign to our knowledge

NM_032217.5(ANKRD17):c.3362T>C (p.Ile1121Thr)

Gene: ANKRD17 (ankyrin repeat domain 17; minus strand). Cytogenetic location: 4q13.3.
Variant type: single nucleotide variant.
Coding change: c.3362T>C on transcript NM_032217.5 (MANE Select); coding-DNA position 3362, T replaced by C.
Protein change: p.Ile1121Thr; replaces isoleucine 1121 with threonine.
Molecular consequence: missense variant.
Genome position (GRCh38, 1-based): chr4:73,125,043, A>G on the plus strand (T>C on the coding strand, the complement: ANKRD17 is on the minus strand). VCF-style: chr4-73125043-A-G. GRCh37 (hg19) VCF-style: chr4-73990760-A-G.
Other names: c.3023T>C, p.Ile1008Thr (NM_001286771.3); c.3359T>C, p.Ile1120Thr (NM_015574.2); c.2609T>C, p.Ile870Thr (NM_198889.3); short protein forms I1008T, I1120T, I1121T, I870T.
Identifiers: ClinVar variation 3774793 (VCV003774793.1).